The following is an entry in ClinVar:

NM_020166.5(MCCC1):c.1860A>G (p.Leu620=)

Gene: MCCC1 (methylcrotonyl-CoA carboxylase subunit 1; minus strand). Cytogenetic location: 3q27.1.
Variant type: single nucleotide variant.
Coding change: c.1860A>G on transcript NM_020166.5 (MANE Select); coding-DNA position 1860, A replaced by G.
Protein change: p.Leu620=; no amino-acid change (leucine 620 retained).
Molecular consequence: synonymous variant. On other transcripts: non-coding transcript variant (2).
Genome position (GRCh38, 1-based): chr3:183,022,426, T>C on the plus strand (A>G on the coding strand, the complement: MCCC1 is on the minus strand). VCF-style: chr3-183022426-T-C. GRCh37 (hg19) VCF-style: chr3-182740214-T-C.
Other names: c.1509A>G, p.Leu503= (NM_001293273.2); c.1533A>G, p.Leu511= (NM_001363880.1).
Identifiers: ClinVar variation 383630 (VCV000383630.1), dbSNP rs1057521696, ClinGen allele CA16604390.

ClinVar aggregate classification (germline): Likely benign (1 of 4 stars; one submission).

Allele frequency attached by ClinVar (database versions not stated): gnomAD exomes below 0.00001.
gnomAD v4.1: 2 of 1,614,062 alleles (0.00012%); highest among the groups gnomAD compares: East Asian, 0.0022%; no homozygotes.

Submission:

GeneDx
Classification: Likely benign. Last evaluated: 2016-03-11. Review status: criteria provided, single submitter. Criteria: GeneDx Variant Classification (06012015). Collection method: clinical testing. Allele origin: germline. Affected: yes.
Comment: This variant is considered likely benign or benign based on one or more of the following criteria: it is a conservative change, it occurs at a poorly conserved position in the protein, it is predicted to be benign by multiple in silico algorithms, and/or has population frequency not consistent with disease.